The following is an entry in ClinVar:

ClinVar aggregate classification (germline): Benign (1 of 4 stars; one submission).

Submission:

GeneDx
Classification: Benign. Last evaluated: 2013-12-23. Review status: criteria provided, single submitter. Criteria: GeneDx Variant Classification (06012015). Collection method: clinical testing. Allele origin: germline. Affected: yes.
Comment: The variant is found in MITONUC-MITOP panel(s).

NM_000108.5(DLD):c.*18del

Gene: DLD (dihydrolipoamide dehydrogenase; plus strand). Cytogenetic location: 7q31.1.
Variant type: Deletion.
Coding change: c.*18del on transcript NM_000108.5 (MANE Select); 18 bases downstream of the stop codon, one base deleted (A; older notation c.*18delA).
Molecular consequence: 3 prime UTR variant.
Genome position (GRCh38, 1-based): chr7:107,919,277, A deleted. VCF-style (leftmost placement, unchanged base first): chr7-107919276-TA-T. GRCh37 (hg19) VCF-style: chr7-107559721-TA-T.
Other names: c.*18del (NM_001289750.1, NM_001289751.1, NM_001289752.1).
Identifiers: ClinVar variation 203673 (VCV000203673.1), dbSNP rs796051946, ClinGen allele CA312450.